The following is an entry in ClinVar:

ClinVar aggregate classification (germline): Uncertain significance. Review status: criteria provided, multiple submitters, no conflicts (2 of 4 stars). 2 submissions from 2 submitters: Uncertain significance (2). Last evaluated 2022-05-25.

Conditions:
Hereditary cancer-predisposing syndrome. Also called: Tumor predisposition; Hereditary Cancer Syndrome; Hereditary neoplastic syndrome; Neoplastic Syndromes, Hereditary. Identifiers: Orphanet 140162, MedGen C0027672, MeSH D009386, MONDO:0015356.

Submissions (3):

Ambry Genetics
Classification: Uncertain significance for Hereditary cancer-predisposing syndrome. Last evaluated: 2022-05-25. Review status: criteria provided, single submitter. Criteria: Ambry Variant Classification Scheme 2023. Collection method: clinical testing. Allele origin: germline.
Comment: The p.G1748V variant (also known as c.5243G>T), located in coding exon 18 of the BRCA1 gene, results from a G to T substitution at nucleotide position 5243. The glycine at codon 1748 is replaced by valine, an amino acid with dissimilar properties. One functional study found that this nucleotide substitution had intermediate function in a high-throughput, genome editing, haploid cell survival assay (Findlay GM et al. Nature, 2018 10;562:217-222). This amino acid position is highly conserved in available vertebrate species. In addition, this alteration is predicted to be deleterious by in silico analysis. Since supporting evidence is limited at this time, the clinical significance of this alteration remains unclear.

Women's Health and Genetics/Laboratory Corporation of America, LabCorp
Classification: Uncertain significance. Last evaluated: 2017-03-17. Review status: criteria provided, single submitter. Criteria: LabCorp Variant Classification Summary - May 2015. Collection method: clinical testing. Allele origin: germline.
Comment: Variant summary: The BRCA1 c.5243G>T (p.Gly1748Val) variant located in the BRCT domain (via InterPro) causes a missense change involving the alteration of a conserved nucleotide, which 3/4 in silico tools (SNPs&GO not captured due to low reliability index) predict a damaging outcome, although these predictions haven't been functionally assessed. This variant is absent in 121412 control chromosomes (ExAC). The variant of interest has not, to our knowledge, been reported in affected individuals via publications and/or reputable databases/clinical diagnostic laboratories; nor evaluated for functional impact by in vivo/vitro studies. Because of the absence of clinical information and the lack of functional studies, the variant is classified as a variant of uncertain significance (VUS) until additional information becomes available.

Brotman Baty Institute, University of Washington
No classification provided (evidence only). Condition: Breast-ovarian cancer, familial 1. Review status: no classification provided. Collection method: in vitro. Allele origin: not applicable. Functional consequence: function_uncertain_variant. Not counted in ClinVar's aggregate classification.
ClinVar note: "not provided" was previously submitted as the classification for the variant. However, the classification appeared to be based only on an observation of functional data so it was converted to no classification on 2025-07-30.

Literature cited by the submitters: PubMed 30209399 (cited by Ambry Genetics).

NM_007294.4(BRCA1):c.5243G>T (p.Gly1748Val)

Gene: BRCA1 (BRCA1 DNA repair associated; minus strand). Cytogenetic location: 17q21.31.
Variant type: single nucleotide variant.
Coding change: c.5243G>T on transcript NM_007294.4 (MANE Select); coding-DNA position 5243, G replaced by T.
Protein change: p.Gly1748Val; replaces glycine 1748 with valine.
Molecular consequence: missense variant. On other transcripts: non-coding transcript variant (1).
Genome position (GRCh38, 1-based): chr17:43,057,086, C>A on the plus strand (G>T on the coding strand, the complement: BRCA1 is on the minus strand). VCF-style: chr17-43057086-C-A. GRCh37 (hg19) VCF-style: chr17-41209103-C-A.
Other names: c.5030G>T, p.Gly1677Val (NM_001407896.1, NM_001407897.1, NM_001407898.1 and 12 more transcripts); c.5120G>T, p.Gly1707Val (NM_001407919.1, NM_001407938.1, NM_001407664.1 and 6 more transcripts); c.4979G>T, p.Gly1660Val (NM_001407920.1, NM_001407921.1, NM_001407922.1 and 4 more transcripts); c.4976G>T, p.Gly1659Val (NM_001407927.1, NM_001407928.1, NM_001407929.1 and 4 more transcripts); c.5117G>T, p.Gly1706Val (NM_001407939.1, NM_001407940.1, NM_001407670.1 and 10 more transcripts); c.5114G>T, p.Gly1705Val (NM_001407941.1, NM_001407682.1, NM_001407683.1 and 6 more transcripts); c.5102G>T, p.Gly1701Val (NM_001407942.1, NM_007297.4, NM_001407727.1 and 13 more transcripts); c.5099G>T, p.Gly1700Val (NM_001407943.1, NM_001407944.1, NM_001407945.1 and 21 more transcripts); and 72 more; short protein forms G1748V, G1769V, G644V, G1701V, G1451V, G1452V, G1620V, G1677V.
Identifiers: ClinVar variation 496392 (VCV000496392.6), dbSNP rs397509243, ClinGen allele CA10591057.
Genomic context (GRCh38, chr17:43,057,086, plus strand): 5'-TGTCAACTTGAGGGAGGGAGCTTTACCTTTCTGTCCTGGGATTCTCTTGCTCGCTTTGGA[C>A]CTTGGTGGTTTCTTCCATTGACCACATCTCCTCTGACTTCAAAATCATGCTGAAAGAAAC-3'
Protein context (NP_009225.1, residues 1738-1758): GDVVNGRNHQ[Gly1748Val]PKRARESQDR